The following is an entry in ClinVar:

ClinVar aggregate classification (germline): Conflicting classifications of pathogenicity. Review status: criteria provided, conflicting classifications (1 of 4 stars). 2 submissions from 2 submitters: Uncertain significance (1); Likely benign (1). Last evaluated 2026-05-17.

Conditions:
Early-infantile DEE. Also called: Early infantile epileptic encephalopathy with suppression bursts; Early infantile epileptic encephalopathy; Ohtahara syndrome. Identifiers: Orphanet 1934, MedGen C0393706, MONDO:0800491.

Submissions (2):

GeneDx
Classification: Uncertain significance. Last evaluated: 2026-05-17. Review status: criteria provided, single submitter. Criteria: GeneDx Variant Classification Process June 2021. Collection method: clinical testing. Allele origin: germline.
Comment: Not observed at significant frequency in large population cohorts (gnomAD); In silico analysis suggests that this missense variant does not alter protein structure/function; Has not been previously published as pathogenic or benign to our knowledge; This substitution is predicted to be within the extracellular loop between the S1 and S2 transmembrane segments of the third homologous domain

Labcorp Genetics (formerly Invitae), Labcorp
Classification: Likely benign for Early-infantile DEE. Last evaluated: 2022-07-19. Review status: criteria provided, single submitter. Criteria: Invitae Variant Classification Sherloc (09022015). Collection method: clinical testing. Allele origin: germline.

NM_001165963.4(SCN1A):c.3724A>G (p.Ile1242Val)

Genes: SCN1A (sodium voltage-gated channel alpha subunit 1; minus strand), LOC102724058 (uncharacterized LOC102724058; plus strand). Cytogenetic location: 2q24.3.
Variant type: single nucleotide variant.
Coding change: c.3724A>G on transcript NM_001165963.4 (MANE Select); coding-DNA position 3724, A replaced by G.
Protein change: p.Ile1242Val; replaces isoleucine 1242 with valine.
Molecular consequence: missense variant. On other transcripts: non-coding transcript variant (1).
Genome position (GRCh38, 1-based): chr2:166,012,264, T>C on the plus strand (A>G on the coding strand, the complement: SCN1A is on the minus strand). VCF-style: chr2-166012264-T-C. GRCh37 (hg19) VCF-style: chr2-166868774-T-C.
Other names: c.3640A>G, p.Ile1214Val (NM_001165964.3, NM_001353957.2, NM_001353958.2); c.3724A>G, p.Ile1242Val (NM_001202435.3, NM_001353948.2); c.3691A>G, p.Ile1231Val (NM_001353949.2, NM_001353950.2, NM_001353951.2 and 2 more transcripts); c.3724A>G (NM_001165963.1); c.3688A>G, p.Ile1230Val (NM_001353954.2, NM_001353955.2); c.3637A>G, p.Ile1213Val (NM_001353960.2); c.1282A>G, p.Ile428Val (NM_001353961.2); short protein forms I1213V, I1214V, I1230V, I1231V, I1242V, I428V.
Identifiers: ClinVar variation 1144666 (VCV001144666.12), dbSNP rs2105593894, ClinGen allele CA349054626.
Genomic context (GRCh38, chr2:166,012,264, plus strand): 5'-TGTAAGTGAAAACCTTGTCAGCATATTCCAACATCGTCTTAATCGTCTTTCGCTGATCAA[T>C]ATATATATCTTCAAATGCCTATAAAGAAAATGTTACACATTATTAGCTTTCAAAAATAAT-3'
Protein context (NP_001159435.1, residues 1232-1252): SGALAFEDIY[Ile1242Val]DQRKTIKTML